The following is an entry in ClinVar:

ClinVar aggregate classification (germline): Uncertain significance (1 of 4 stars; one submission).

Conditions:
Agammaglobulinemia 7, autosomal recessive (AGM7). Also called: AGAMMAGLOBULINEMIA, AUTOSOMAL RECESSIVE, DUE TO PIK3R1 DEFECT. Identifiers: MedGen C3554689, MONDO:0014083, OMIM 615214.
SHORT syndrome. Also called: SHORT STATURE, HYPEREXTENSIBILITY, HERNIA, OCULAR DEPRESSION, RIEGER ANOMALY, AND TEETHING DELAY; LIPODYSTROPHY, PARTIAL, WITH RIEGER ANOMALY AND SHORT STATURE; PIK3R1-Related SHORT Syndrome. Identifiers: Orphanet 3163, MedGen C0878684, MONDO:0010026, OMIM 269880.
Immunodeficiency 36 with lymphoproliferation. Also called: Immunodeficiency 36; Activated PI3K Delta Syndrome Type 2 (APDS2); ACTIVATED PI3K-DELTA SYNDROME 2. Identifiers: Orphanet 397596, Orphanet 693681, MedGen C4014934, MONDO:0014453, OMIM 616005.

gnomAD v4.1: 10 of 1,614,154 alleles (0.00062%); highest among the groups gnomAD compares: Non-Finnish European, 0.00051%; no homozygotes.

Submission:

Labcorp Genetics (formerly Invitae), Labcorp
Classification: Uncertain significance for SHORT syndrome; Immunodeficiency 36 with lymphoproliferation; Agammaglobulinemia 7, autosomal recessive. Last evaluated: 2025-06-15. Review status: criteria provided, single submitter. Criteria: Invitae Variant Classification Sherloc (09022015). Collection method: clinical testing. Allele origin: germline.
Comment: This sequence change replaces alanine, which is neutral and non-polar, with threonine, which is neutral and polar, at codon 48 of the PIK3R1 protein (p.Ala48Thr). This variant is present in population databases (rs774143442, gnomAD 0.005%). This variant has not been reported in the literature in individuals affected with PIK3R1-related conditions. An algorithm developed to predict the effect of missense changes on protein structure and function (PolyPhen-2) suggests that this variant is likely to be tolerated. In summary, the available evidence is currently insufficient to determine the role of this variant in disease. Therefore, it has been classified as a Variant of Uncertain Significance.

NM_181523.3(PIK3R1):c.142G>A (p.Ala48Thr)

Gene: PIK3R1 (phosphoinositide-3-kinase regulatory subunit 1; plus strand). Cytogenetic location: 5q13.1.
Variant type: single nucleotide variant.
Coding change: c.142G>A on transcript NM_181523.3 (MANE Select); coding-DNA position 142, G replaced by A.
Protein change: p.Ala48Thr; replaces alanine 48 with threonine.
Molecular consequence: missense variant.
Genome position (GRCh38, 1-based): chr5:68,226,817, G>A. VCF-style: chr5-68226817-G-A. GRCh37 (hg19) VCF-style: chr5-67522645-G-A.
Other names: short protein forms A48T.
Identifiers: ClinVar variation 4793062 (VCV004793062.1).
Genomic context (GRCh38, chr5:68,226,817, plus strand): 5'-GACATATTGACTGTGAATAAAGGGTCCTTAGTAGCTCTTGGATTCAGTGATGGACAGGAA[G>A]CCAGGCCTGAAGAAATTGGCTGGTTAAATGGCTATAATGAAACCACAGGGGAAAGGGGGG-3'
Protein context (NP_852664.1, residues 38-58): VALGFSDGQE[Ala48Thr]RPEEIGWLNG